The following is an entry in ClinVar:

ClinVar aggregate classification (germline): Likely benign. Review status: criteria provided, single submitter (1 of 4 stars). 2 submissions from 2 submitters: Likely benign (1). 1 of the submissions does not count toward it. Last evaluated 2025-12-01.

Conditions:
HMCN1-related disorder. Also called: HMCN1-related condition.

Allele frequency attached by ClinVar (database versions not stated): gnomAD exomes 0.00009 and 0.00023; 1000 Genomes Project 0.00020; ExAC 0.00025; 1000 Genomes Project 30x 0.00031; TOPMed 0.00059; ESP Exome Variant Server 0.00069; gnomAD 0.00047 and 0.00048.
gnomAD v4.1: 213 of 1,614,118 alleles (0.013%); highest among the groups gnomAD compares: African/African-American, 0.18%; no homozygotes.

Submissions (2):

Labcorp Genetics (formerly Invitae), Labcorp
Classification: Likely benign. Last evaluated: 2025-12-01. Review status: criteria provided, single submitter. Criteria: Invitae Variant Classification Sherloc (09022015). Collection method: clinical testing. Allele origin: germline.

PreventionGenetics, part of Exact Sciences
Classification: Likely benign for HMCN1-related condition. Last evaluated: 2024-07-29. Review status: no assertion criteria provided. Collection method: clinical testing. Allele origin: germline. Not counted in ClinVar's aggregate classification.
Comment: This variant is classified as likely benign based on ACMG/AMP sequence variant interpretation guidelines (Richards et al. 2015 PMID: 25741868, with internal and published modifications).

NM_031935.3(HMCN1):c.10903C>T (p.Arg3635Trp)

Gene: HMCN1 (hemicentin 1; plus strand). Cytogenetic location: 1q31.1.
Variant type: single nucleotide variant.
Coding change: c.10903C>T on transcript NM_031935.3 (MANE Select); coding-DNA position 10903, C replaced by T.
Protein change: p.Arg3635Trp; replaces arginine 3635 with tryptophan.
Molecular consequence: missense variant.
Genome position (GRCh38, 1-based): chr1:186,108,511, C>T. VCF-style: chr1-186108511-C-T. GRCh37 (hg19) VCF-style: chr1-186077643-C-T.
Other names: c.10903C>T (NM_031935.2); short protein forms R3635W.
Identifiers: ClinVar variation 1446283 (VCV001446283.7), dbSNP rs34928488, ClinGen allele CA1293854.
Genomic context (GRCh38, chr1:186,108,511, plus strand): 5'-TCACACCCAGTACCTCCTAATATTGCTGGAACTGATGAGCCCCGGGATATCACTGTGTTA[C>T]GGAACAGACAAGTGACATTGGAATGCAAGTCAGATGCAGTGCCCCCACCTGTAATTACTT-3'
Protein context (NP_114141.2, residues 3625-3645): TDEPRDITVL[Arg3635Trp]NRQVTLECKS